The following is an entry in ClinVar:

ClinVar aggregate classification (germline): Uncertain significance (0 of 4 stars; one submission).

Conditions:
SEMA3D-related disorder. Also called: SEMA3D-related condition.

gnomAD v4.1: 3 of 1,609,282 alleles (0.00019%); highest among the groups gnomAD compares: African/African-American, 0.0027%; no homozygotes.

Submission:

PreventionGenetics, part of Exact Sciences
Classification: Uncertain significance for SEMA3D-related condition. Last evaluated: 2024-05-10. Review status: no assertion criteria provided. Collection method: clinical testing. Allele origin: germline.
Comment: The SEMA3D c.1764A>C variant is predicted to result in the amino acid substitution p.Glu588Asp. To our knowledge, this variant has not been reported in the literature or in gnomAD, indicating this variant is rare. At this time, the clinical significance of this variant is uncertain due to the absence of conclusive functional and genetic evidence.

NM_001384900.1(SEMA3D):c.1764A>C (p.Glu588Asp)

Gene: SEMA3D (semaphorin 3D; minus strand). Cytogenetic location: 7q21.11.
Variant type: single nucleotide variant.
Coding change: c.1764A>C on transcript NM_001384900.1 (MANE Select); coding-DNA position 1764, A replaced by C.
Protein change: p.Glu588Asp; replaces glutamic acid 588 with aspartic acid.
Molecular consequence: missense variant.
Genome position (GRCh38, 1-based): chr7:85,012,786, T>G on the plus strand (A>C on the coding strand, the complement: SEMA3D is on the minus strand). VCF-style: chr7-85012786-T-G. GRCh37 (hg19) VCF-style: chr7-84642102-T-G.
Other names: c.1764A>C, p.Glu588Asp (NM_001384901.1, NM_001384902.1, NM_001384903.1 and 1 more transcripts); short protein forms E588D.
Identifiers: ClinVar variation 3347045 (VCV003347045.1).